The following is an entry in ClinVar:

NM_003482.4(KMT2D):c.3161C>T (p.Pro1054Leu)

Gene: KMT2D (lysine methyltransferase 2D; minus strand). Cytogenetic location: 12q13.12.
Variant type: single nucleotide variant.
Coding change: c.3161C>T on transcript NM_003482.4 (MANE Select); coding-DNA position 3161, C replaced by T.
Protein change: p.Pro1054Leu; replaces proline 1054 with leucine.
Molecular consequence: missense variant.
Genome position (GRCh38, 1-based): chr12:49,050,427, G>A on the plus strand (C>T on the coding strand, the complement: KMT2D is on the minus strand). VCF-style: chr12-49050427-G-A. GRCh37 (hg19) VCF-style: chr12-49444210-G-A.
Other names: short protein forms P1054L.
Identifiers: ClinVar variation 1404401 (VCV001404401.30), dbSNP rs758697574, ClinGen allele CA6548106.
Genomic context (GRCh38, chr12:49,050,427, plus strand): 5'-TCCATCTCGTGCAGCTCAGCCTCATCTGAGACCCCCACTACCTTCCCTATGGGACTCAAC[G>A]GGGAGGGAACGGACAGTGGTAGGGCAGGAGGAGAGCACTGGGAAGGAGGGGAGTTTTGGG-3'
Protein context (NP_003473.3, residues 1044-1064): PPALPLSVPS[Pro1054Leu]LSPIGKVVGV

ClinVar aggregate classification (germline): Benign/Likely benign. Review status: criteria provided, multiple submitters, no conflicts (2 of 4 stars). 3 submissions from 3 submitters: Benign (1); Likely benign (2). Last evaluated 2026-07-25.

Conditions:
KMT2D-related disorder. Also called: KMT2D-Related Disorders.
Kabuki syndrome. Also called: Kabuki make-up syndrome; NIIKAWA-KUROKI SYNDROME. Identifiers: Orphanet 2322, MedGen C0796004, MONDO:0016512.

Allele frequency attached by ClinVar (database versions not stated): ExAC 0.00003; gnomAD 0.00003 and 0.00004; gnomAD exomes 0.00003 and 0.00004; TOPMed 0.00005.
gnomAD v4.1: 58 of 1,613,854 alleles (0.0036%); highest among the groups gnomAD compares: Non-Finnish European, 0.0045%; no homozygotes.

Submissions (3):

PreventionGenetics, part of Exact Sciences
Classification: Likely benign for KMT2D-related condition. Last evaluated: 2026-07-25. Review status: criteria provided, single submitter. Criteria: ACMG Guidelines, 2015. Collection method: clinical testing. Allele origin: germline.
Comment: This variant is classified as likely benign based on ACMG/AMP sequence variant interpretation guidelines (Richards et al. 2015 PMID: 25741868, with internal and published modifications).

Labcorp Genetics (formerly Invitae), Labcorp
Classification: Benign for Kabuki syndrome. Last evaluated: 2025-11-25. Review status: criteria provided, single submitter. Criteria: Invitae Variant Classification Sherloc (09022015). Collection method: clinical testing. Allele origin: germline.

CeGaT Center for Human Genetics Tuebingen
Classification: Likely benign. Last evaluated: 2023-05-01. Review status: criteria provided, single submitter. Criteria: CeGaT Center For Human Genetics Tuebingen Variant Classification Criteria Version 2. Collection method: clinical testing. Allele origin: germline. Affected: yes. Observed: 1 variant allele.
Comment: KMT2D: PP2, BP4, BS2